The following is an entry in ClinVar:

NM_003638.3(ITGA8):c.1936C>T (p.Leu646=)

Gene: ITGA8 (integrin subunit alpha 8; minus strand). Cytogenetic location: 10p13.
Variant type: single nucleotide variant.
Coding change: c.1936C>T on transcript NM_003638.3 (MANE Select); coding-DNA position 1936, C replaced by T.
Protein change: p.Leu646=; no amino-acid change (leucine 646 retained).
Molecular consequence: synonymous variant.
Genome position (GRCh38, 1-based): chr10:15,605,758, G>A on the plus strand (C>T on the coding strand, the complement: ITGA8 is on the minus strand). VCF-style: chr10-15605758-G-A. GRCh37 (hg19) VCF-style: chr10-15647757-G-A.
Other names: c.1891C>T, p.Leu631= (NM_001291494.2).
Identifiers: ClinVar variation 781193 (VCV000781193.35), dbSNP rs117151630, ClinGen allele CA5420021.

ClinVar aggregate classification (germline): Benign/Likely benign. Review status: criteria provided, multiple submitters, no conflicts (2 of 4 stars). 3 submissions from 3 submitters: Benign (2); Likely benign (1). Last evaluated 2026-01-06.

Allele frequency attached by ClinVar (database versions not stated): 1000 Genomes Project 0.00220; 1000 Genomes Project 30x 0.00234; gnomAD 0.00382; TOPMed 0.00429; ESP Exome Variant Server 0.00623.
gnomAD v4.1: 10,268 of 1,613,470 alleles (0.64%); highest among the groups gnomAD compares: Non-Finnish European, 0.8%; 54 homozygotes.

Submissions (3):

Labcorp Genetics (formerly Invitae), Labcorp
Classification: Benign. Last evaluated: 2026-01-06. Review status: criteria provided, single submitter. Criteria: Invitae Variant Classification Sherloc (09022015). Collection method: clinical testing. Allele origin: germline.

CeGaT Center for Human Genetics Tuebingen
Classification: Likely benign. Last evaluated: 2025-03-01. Review status: criteria provided, single submitter. Criteria: CeGaT Center For Human Genetics Tuebingen Variant Classification Criteria Version 2. Collection method: clinical testing. Allele origin: germline. Affected: yes. Observed: 3 variant alleles.
Comment: ITGA8: BP4, BP7, BS2

Breakthrough Genomics
Classification: Benign. Review status: criteria provided, single submitter. Criteria: ACMG Guidelines, 2015. Collection method: not provided. Allele origin: germline. Inheritance: Autosomal recessive inheritance. Affected: yes.